The following is an entry in ClinVar:

ClinVar aggregate classification (germline): Benign (1 of 4 stars; one submission).

Allele frequency attached by ClinVar (database versions not stated): 1000 Genomes Project 0.17572; 1000 Genomes Project 30x 0.17708; gnomAD exomes 0.18412; TOPMed 0.19080; gnomAD 0.19892 and 0.20006.
gnomAD v4.1: 52,653 of 274,402 alleles (19%); highest among the groups gnomAD compares: Non-Finnish European, 20%; 5,333 homozygotes.

Submission:

GeneDx
Classification: Benign. Last evaluated: 2018-06-14. Review status: criteria provided, single submitter. Criteria: GeneDx Variant Classification (06012015). Collection method: clinical testing. Allele origin: germline. Affected: yes.
Comment: This variant is considered likely benign or benign based on one or more of the following criteria: it is a conservative change, it occurs at a poorly conserved position in the protein, it is predicted to be benign by multiple in silico algorithms, and/or has population frequency not consistent with disease.

NM_002488.5(NDUFA2):c.208+314T>A

Genes: NDUFA2 (NADH:ubiquinone oxidoreductase subunit A2; minus strand), TMCO6 (transmembrane and coiled-coil domains 6; plus strand). Cytogenetic location: 5q31.3.
Variant type: single nucleotide variant.
Coding change: c.208+314T>A on transcript NM_002488.5 (MANE Select); 314 bases into the intron after coding-DNA position 208, T replaced by A.
Molecular consequence: intron variant.
Genome position (GRCh38, 1-based): chr5:140,646,942, A>T on the plus strand (T>A on the coding strand, the complement: NDUFA2 is on the minus strand). VCF-style: chr5-140646942-A-T. GRCh37 (hg19) VCF-style: chr5-140026527-A-T.
Other names: c.208+314T>A (NM_001185012.2).
Identifiers: ClinVar variation 669900 (VCV000669900.1), dbSNP rs778592, ClinGen allele CA11945536.